The following is an entry in ClinVar:

NM_000039.3(APOA1):c.332G>A (p.Ser111Asn)

Genes: APOA1 (apolipoprotein A1; minus strand), APOA1-AS (APOA1 antisense RNA; plus strand). Cytogenetic location: 11q23.3.
Variant type: single nucleotide variant.
Coding change: c.332G>A on transcript NM_000039.3 (MANE Select); coding-DNA position 332, G replaced by A.
Protein change: p.Ser111Asn; replaces serine 111 with asparagine.
Molecular consequence: missense variant.
Genome position (GRCh38, 1-based): chr11:116,836,280, C>T on the plus strand (G>A on the coding strand, the complement: APOA1 is on the minus strand). VCF-style: chr11-116836280-C-T. GRCh37 (hg19) VCF-style: chr11-116706996-C-T.
Other names: c.332G>A, p.Ser111Asn (NM_001318017.2, NM_001318018.2); c.5G>A, p.Ser2Asn (NM_001318021.2); short protein forms S2N, S111N.
Identifiers: ClinVar variation 1730297 (VCV001730297.2), dbSNP rs1381602025, ClinGen allele CA382716707.

ClinVar aggregate classification (germline): Uncertain significance (1 of 4 stars; one submission).

Conditions:
Cardiovascular phenotype. Identifiers: MedGen CN230736.

Allele frequency attached by ClinVar (database versions not stated): gnomAD exomes below 0.00001.

Submission:

Ambry Genetics
Classification: Uncertain significance for Cardiovascular phenotype. Last evaluated: 2020-05-20. Review status: criteria provided, single submitter. Criteria: Ambry Variant Classification Scheme 2023. Collection method: clinical testing. Allele origin: germline.
Comment: The p.S111N variant (also known as c.332G>A), located in coding exon 3 of the APOA1 gene, results from a G to A substitution at nucleotide position 332. The serine at codon 111 is replaced by asparagine, an amino acid with highly similar properties. This amino acid position is poorly conserved in available vertebrate species. In addition, this alteration is predicted to be tolerated by in silico analysis. Since supporting evidence is limited at this time, the clinical significance of this alteration remains unclear.